The following is an entry in ClinVar:

ClinVar aggregate classification (germline): Uncertain significance. Review status: criteria provided, multiple submitters, no conflicts (2 of 4 stars). 2 submissions from 2 submitters: Uncertain significance (2). Last evaluated 2025-10-30.

Conditions:
Inborn genetic diseases. Identifiers: MedGen C0950123, MeSH D030342.

Allele frequency attached by ClinVar (database versions not stated): gnomAD exomes below 0.00001 and 0.00001; TOPMed 0.00001; ExAC 0.00002; gnomAD 0.00002 and 0.00003; ESP Exome Variant Server 0.00008.
gnomAD v4.1: 6 of 1,613,678 alleles (0.00037%); highest among the groups gnomAD compares: African/African-American, 0.008%; no homozygotes.

Submissions (2):

Ambry Genetics
Classification: Uncertain significance for Inborn genetic diseases. Last evaluated: 2025-10-30. Review status: criteria provided, single submitter. Criteria: Ambry Variant Classification Scheme 2023. Collection method: clinical testing. Allele origin: germline.

Labcorp Genetics (formerly Invitae), Labcorp
Classification: Uncertain significance. Last evaluated: 2023-01-10. Review status: criteria provided, single submitter. Criteria: Invitae Variant Classification Sherloc (09022015). Collection method: clinical testing. Allele origin: germline.
Comment: Algorithms developed to predict the effect of missense changes on protein structure and function (SIFT, PolyPhen-2, Align-GVGD) all suggest that this variant is likely to be disruptive. In summary, the available evidence is currently insufficient to determine the role of this variant in disease. Therefore, it has been classified as a Variant of Uncertain Significance. This variant has not been reported in the literature in individuals affected with VCAN-related conditions. ClinVar contains an entry for this variant (Variation ID: 1470443). This variant is present in population databases (rs138328713, gnomAD 0.02%). This sequence change replaces isoleucine, which is neutral and non-polar, with threonine, which is neutral and polar, at codon 1275 of the VCAN protein (p.Ile1275Thr).

NM_004385.5(VCAN):c.3824T>C (p.Ile1275Thr)

Gene: VCAN (versican; plus strand). Cytogenetic location: 5q14.3.
Variant type: single nucleotide variant.
Coding change: c.3824T>C on transcript NM_004385.5 (MANE Select); coding-DNA position 3824, T replaced by C.
Protein change: p.Ile1275Thr; replaces isoleucine 1275 with threonine.
Molecular consequence: missense variant. On other transcripts: intron variant (2).
Genome position (GRCh38, 1-based): chr5:83,522,130, T>C. VCF-style: chr5-83522130-T-C. GRCh37 (hg19) VCF-style: chr5-82817949-T-C.
Other names: c.3824T>C, p.Ile1275Thr (NM_001164098.2); c.1042+9734T>C (NM_001164097.2, NM_001126336.3); c.3824T>C (NM_004385.4); short protein forms I1275T.
Identifiers: ClinVar variation 1470443 (VCV001470443.9), dbSNP rs138328713, ClinGen allele CA3333067.